The following is an entry in ClinVar:

ClinVar aggregate classification (germline): Uncertain significance (1 of 4 stars; one submission).

Conditions:
PLXNA4-related disorder. Also called: PLXNA4-related condition.

gnomAD v4.1: 25 of 1,614,158 alleles (0.0015%); highest among the groups gnomAD compares: East Asian, 0.018%; no homozygotes.

Submission:

PreventionGenetics, part of Exact Sciences
Classification: Uncertain significance for PLXNA4-related condition. Last evaluated: 2026-08-05. Review status: criteria provided, single submitter. Criteria: ACMG Guidelines, 2015. Collection method: clinical testing. Allele origin: germline.
Comment: The PLXNA4 c.958G>A variant is predicted to result in the amino acid substitution p.Ala320Thr. To our knowledge, this variant has not been reported in the literature. This variant is reported in 0.035% of alleles in individuals of East Asian descent in gnomAD. At this time, the clinical significance of this variant is uncertain due to the absence of conclusive functional and genetic evidence.

NM_020911.2(PLXNA4):c.958G>A (p.Ala320Thr)

Gene: PLXNA4 (plexin A4; minus strand). Cytogenetic location: 7q32.3.
Variant type: single nucleotide variant.
Coding change: c.958G>A on transcript NM_020911.2 (MANE Select); coding-DNA position 958, G replaced by A.
Protein change: p.Ala320Thr; replaces alanine 320 with threonine.
Molecular consequence: missense variant.
Genome position (GRCh38, 1-based): chr7:132,507,736, C>T on the plus strand (G>A on the coding strand, the complement: PLXNA4 is on the minus strand). VCF-style: chr7-132507736-C-T. GRCh37 (hg19) VCF-style: chr7-132192495-C-T.
Other names: c.958G>A, p.Ala320Thr (NM_001105543.2, NM_001393897.1, NM_181775.4); short protein forms A320T.
Identifiers: ClinVar variation 4988981 (VCV004988981.1).